The following is an entry in ClinVar:

NC_000023.11:g.154901441CT[1]

Gene: F8 (coagulation factor VIII; minus strand). Cytogenetic location: Xq28.
Variant type: Microsatellite.
Genome position: GRCh38 VCF-style: chrX-154901440-ACT-A. GRCh37 (hg19) VCF-style: chrX-154129715-ACT-A.
Identifiers: ClinVar variation 2428513 (VCV002428513.4), dbSNP rs2523881352, ClinGen allele CA2580612536.
Genomic context (GRCh38, chrX:154,901,440, plus strand): 5'-CTGAAGCTGTAATCTGAAAATCTCTAATGTGTCCAGAAGCCATTCCCAGGGGAGTCTGAC[ACT>A]CTGAAATGAAACGGGTGGAACACAGTAACTAGAAGTGCACAAAATTCAGCTTCTCAAATG-3'

ClinVar aggregate classification (germline): Pathogenic (1 of 4 stars; one submission).

Submission:

ARUP Laboratories, Molecular Genetics and Genomics, ARUP Laboratories
Classification: Pathogenic. Last evaluated: 2022-05-26. Review status: criteria provided, single submitter. Criteria: ARUP Molecular Germline Variant Investigation Process 2021. Collection method: clinical testing. Allele origin: germline.
Comment: The F8 c.6116_6117delAG; p.Lys2039MetfsTer13 variant, to our knowledge, is not reported in the medical literature but is reported in an affected individual in a gene specific database (see link below). This variant is also absent from the Genome Aggregation Database, indicating it is not a common polymorphism. This variant causes a frameshift by deleting 2 nucleotides, so it is predicted to result in a truncated protein or mRNA subject to nonsense-mediated decay. Additionally, several downstream truncating variants have been described in individuals with hemophilia and are considered pathogenic (Feng 2021, Guo 2018). Based on available information, this variant is classified as pathogenic. References: Link to F8 database: Feng Y et al. Mutation analysis in the F8 gene in 485 families with haemophilia A and prenatal diagnosis in China. Haemophilia. 2021 Jan;27(1):e88-e92. PMID: 33245802. Guo Z et al. Spectrum of Molecular Defects in 216 Chinese Families With Hemophilia A: Identification of Noninversion Mutation Hot Spots and 42 Novel Mutations. Clin Appl Thromb Hemost. 2018 Jan;24(1):70-78. PMID: 28056528.